The following is an entry in ClinVar:

ClinVar aggregate classification (germline): Uncertain significance (1 of 4 stars; one submission).

Allele frequency attached by ClinVar (database versions not stated): TOPMed 0.00002; gnomAD 0.00003.

Submission:

Laboratory for Molecular Medicine, Mass General Brigham Personalized Medicine
Classification: Uncertain significance. Last evaluated: 2015-08-06. Review status: criteria provided, single submitter. Criteria: LMM Criteria. Collection method: clinical testing. Allele origin: germline. Observed: 1 variant allele.
Comment: The p.Met613Leu variant in LOXHD1 has not been previously reported in individual s with hearing loss, but has been identified in 1/565 of Caucasian chromosomes b y the ClinSeq project (dbSNP rs200930427). Computational prediction tools and co nservation analysis suggest that this variant may not impact the protein, though this information is not predictive enough to rule out pathogenicity. In summary , the clinical significance of the p.Met613Leu variant is uncertain.

NM_001384474.1(LOXHD1):c.5170A>T (p.Met1724Leu)

Gene: LOXHD1 (lipoxygenase homology PLAT domains 1; minus strand). Cytogenetic location: 18q21.1.
Variant type: single nucleotide variant.
Coding change: c.5170A>T on transcript NM_001384474.1 (MANE Select); coding-DNA position 5170, A replaced by T.
Protein change: p.Met1724Leu; replaces methionine 1724 with leucine.
Molecular consequence: missense variant. On other transcripts: intron variant (1).
Genome position (GRCh38, 1-based): chr18:46,521,198, T>A on the plus strand (A>T on the coding strand, the complement: LOXHD1 is on the minus strand). VCF-style: chr18-46521198-T-A. GRCh37 (hg19) VCF-style: chr18-44101161-T-A.
Other names: c.1837A>T, p.Met613Leu (NM_001145472.3); c.1549A>T, p.Met517Leu (NM_001308013.2); c.5085+903A>T (NM_144612.7); short protein forms M613L, M517L, M1724L.
Identifiers: ClinVar variation 228810 (VCV000228810.4), dbSNP rs200930427, ClinGen allele CA10577068.